The following is an entry in ClinVar:

NM_004523.4(KIF11):c.532G>C (p.Val178Leu)

Gene: KIF11 (kinesin family member 11; plus strand). Cytogenetic location: 10q23.33.
Variant type: single nucleotide variant.
Coding change: c.532G>C on transcript NM_004523.4 (MANE Select); coding-DNA position 532, G replaced by C.
Protein change: p.Val178Leu; replaces valine 178 with leucine.
Molecular consequence: missense variant.
Genome position (GRCh38, 1-based): chr10:92,609,164, G>C. VCF-style: chr10-92609164-G-C. GRCh37 (hg19) VCF-style: chr10-94368921-G-C.
Other names: short protein forms V178L.
Identifiers: ClinVar variation 2671791 (VCV002671791.1), dbSNP rs2492481013, ClinGen allele CA377589546.

ClinVar aggregate classification (germline): Uncertain significance (1 of 4 stars; one submission).

Conditions:
Microcephaly with or without chorioretinopathy, lymphedema, or impaired intellectual development. Also called: Microcephaly with or without chorioretinopathy, lymphedema, or intellectual disability; MICROCEPHALY AND CHORIORETINOPATHY WITH OR WITHOUT MENTAL RETARDATION, AUTOSOMAL DOMINANT; MICROCEPHALY, LYMPHEDEMA, CHORIORETINAL DYSPLASIA SYNDROME; Microcephaly lymphedema chorioretinal dysplasia; Microcephaly with or without chorioretinopathy, lymphedema, or mental retardation. Identifiers: Orphanet 2526, MedGen C1835265, MONDO:0007918, OMIM 152950.

Submission:

Neuberg Centre For Genomic Medicine, NCGM
Classification: Uncertain significance for Microcephaly with or without chorioretinopathy, lymphedema, or impaired intellectual development. Last evaluated: 2023-03-01. Review status: criteria provided, single submitter. Criteria: ACMG Guidelines, 2015. Collection method: clinical testing. Allele origin: germline. Inheritance: Autosomal dominant inheritance. Affected: yes.
Comment: The missense c.532G>C(p.Val178Leu) variant in KIF11 gene has not been reported previously as a pathogenic variant nor a benign variant, to our knowledge. The p.Val178Leu variant is novel (not in any individuals) in gnomAD Exomes and 1000 Genomes. This variant has not been reported to the ClinVar database. The amino acid change p.Val178Leu in KIF11 is predicted as conserved by GERP++ and PhyloP across 100 vertebrates. The amino acid Val at position 178 is changed to a Leu changing protein sequence and it might alter its composition and physico-chemical properties. For these reasons, this variant has been classified as a Variant of Uncertain Significance (VUS).